The following is an entry in ClinVar:

NM_199420.4(POLQ):c.1850C>A (p.Ala617Asp)

Gene: POLQ (DNA polymerase theta; minus strand). Cytogenetic location: 3q13.33.
Variant type: single nucleotide variant.
Coding change: c.1850C>A on transcript NM_199420.4 (MANE Select); coding-DNA position 1850, C replaced by A.
Protein change: p.Ala617Asp; replaces alanine 617 with aspartic acid.
Molecular consequence: missense variant.
Genome position (GRCh38, 1-based): chr3:121,509,670, G>T on the plus strand (C>A on the coding strand, the complement: POLQ is on the minus strand). VCF-style: chr3-121509670-G-T. GRCh37 (hg19) VCF-style: chr3-121228517-G-T.
Other names: short protein forms A617D.
Identifiers: ClinVar variation 3229861 (VCV003229861.1), dbSNP rs2048236787, ClinGen allele CA354113859.

ClinVar aggregate classification (germline): Uncertain significance (1 of 4 stars; one submission).

Allele frequency attached by ClinVar (database versions not stated): gnomAD exomes below 0.00001; TOPMed below 0.00001.
gnomAD v4.1: 1 of 1,613,792 alleles (0.000062%); highest among the groups gnomAD compares: Non-Finnish European, 0.000085%; no homozygotes.

Submission:

Ambry Genetics
Classification: Uncertain significance. Last evaluated: 2023-12-04. Review status: criteria provided, single submitter. Criteria: Ambry Variant Classification Scheme 2023. Collection method: clinical testing. Allele origin: germline.
Comment: The p.A617D variant (also known as c.1850C>A), located in coding exon 12 of the POLQ gene, results from a C to A substitution at nucleotide position 1850. The alanine at codon 617 is replaced by aspartic acid, an amino acid with dissimilar properties. This amino acid position is conserved. In addition, this alteration is predicted to be deleterious by in silico analysis. Since supporting evidence is limited at this time, the clinical significance of this alteration remains unclear.